The following is an entry in ClinVar:

NM_133497.4(KCNV2):c.1118G>C (p.Gly373Ala)

Gene: KCNV2 (potassium voltage-gated channel modifier subfamily V member 2; plus strand). Cytogenetic location: 9p24.2.
Variant type: single nucleotide variant.
Coding change: c.1118G>C on transcript NM_133497.4 (MANE Select); coding-DNA position 1118, G replaced by C.
Protein change: p.Gly373Ala; replaces glycine 373 with alanine.
Molecular consequence: missense variant.
Genome position (GRCh38, 1-based): chr9:2,718,857, G>C. VCF-style: chr9-2718857-G-C. GRCh37 (hg19) VCF-style: chr9-2718857-G-C.
Other names: short protein forms G373A.
Identifiers: ClinVar variation 850146 (VCV000850146.13), dbSNP rs201564009, ClinGen allele CA4965767.

ClinVar aggregate classification (germline): Conflicting classifications of pathogenicity. Review status: criteria provided, conflicting classifications (1 of 4 stars). 4 submissions from 4 submitters: Uncertain significance (3); Likely benign (1). Last evaluated 2026-08-14.

Conditions:
Cone dystrophy with supernormal rod response (CDSRR). Also called: CONE DYSTROPHY WITH SUPERNORMAL ROD RESPONSES. Identifiers: Orphanet 209932, MedGen C1835897, MONDO:0012475, OMIM 610356.
KCNV2-related disorder. Also called: KCNV2-related condition.

Allele frequency attached by ClinVar (database versions not stated): ESP Exome Variant Server 0.00008; gnomAD exomes 0.00011; ExAC 0.00015; 1000 Genomes Project 30x 0.00047; TOPMed 0.00059; 1000 Genomes Project 0.00060.
gnomAD v4.1: 165 of 1,609,216 alleles (0.01%); highest among the groups gnomAD compares: African/African-American, 0.18%; 1 homozygote.

Submissions (4):

PreventionGenetics, part of Exact Sciences
Classification: Uncertain significance for KCNV2-related condition. Last evaluated: 2026-08-14. Review status: criteria provided, single submitter. Criteria: ACMG Guidelines, 2015. Collection method: clinical testing. Allele origin: germline.
Comment: The KCNV2 c.1118G>C variant is predicted to result in the amino acid substitution p.Gly373Ala. To our knowledge, this variant has not been reported in the literature. This variant is reported in 0.15% of alleles in individuals of African descent in gnomAD, including 1 homozygote, which may be too frequent to be a primary cause of disease. Although we suspect that this variant may be benign, at this time, the clinical significance of this variant is uncertain due to the absence of conclusive functional and genetic evidence.

Labcorp Genetics (formerly Invitae), Labcorp
Classification: Likely benign. Last evaluated: 2025-12-22. Review status: criteria provided, single submitter. Criteria: Invitae Variant Classification Sherloc (09022015). Collection method: clinical testing. Allele origin: germline.

Blueprint Genetics
Classification: Uncertain significance. Last evaluated: 2023-12-01. Review status: criteria provided, single submitter. Criteria: ACMG Guidelines, 2015. Collection method: clinical testing. Allele origin: germline.

Illumina Laboratory Services, Illumina
Classification: Uncertain significance for Cone dystrophy with supernormal rod response. Last evaluated: 2018-01-12. Review status: criteria provided, single submitter. Criteria: ICSL Variant Classification Criteria 13 December 2019. Collection method: clinical testing. Allele origin: germline.